The following is an entry in ClinVar:

ClinVar aggregate classification (germline): Uncertain significance (1 of 4 stars; one submission).

Allele frequency attached by ClinVar (database versions not stated): gnomAD exomes below 0.00001.
gnomAD v4.1: 1 of 1,613,914 alleles (0.000062%); highest among the groups gnomAD compares: Admixed American, 0.0017%; no homozygotes.

Submission:

Labcorp Genetics (formerly Invitae), Labcorp
Classification: Uncertain significance. Last evaluated: 2023-07-30. Review status: criteria provided, single submitter. Criteria: Invitae Variant Classification Sherloc (09022015). Collection method: clinical testing. Allele origin: germline.
Comment: This sequence change replaces glutamine, which is neutral and polar, with histidine, which is basic and polar, at codon 181 of the KIZ protein (p.Gln181His). This variant is present in population databases (no rsID available, gnomAD 0.003%). This variant has not been reported in the literature in individuals affected with KIZ-related conditions. Experimental studies and prediction algorithms are not available or were not evaluated, and the functional significance of this variant is currently unknown. In summary, the available evidence is currently insufficient to determine the role of this variant in disease. Therefore, it has been classified as a Variant of Uncertain Significance.

NM_018474.6(KIZ):c.543G>T (p.Gln181His)

Gene: KIZ (kizuna centrosomal protein; plus strand). Cytogenetic location: 20p11.23.
Variant type: single nucleotide variant.
Coding change: c.543G>T on transcript NM_018474.6 (MANE Select); coding-DNA position 543, G replaced by T.
Protein change: p.Gln181His; replaces glutamine 181 with histidine.
Molecular consequence: missense variant.
Genome position (GRCh38, 1-based): chr20:21,162,008, G>T. VCF-style: chr20-21162008-G-T. GRCh37 (hg19) VCF-style: chr20-21142649-G-T.
Other names: c.234G>T, p.Gln78His (NM_001163022.3, NM_001352435.2); c.144G>T, p.Gln48His (NM_001163023.3); c.396G>T, p.Gln132His (NM_001276389.2); c.543G>T, p.Gln181His (NM_001352434.2); c.201G>T, p.Gln67His (NM_001352436.2); short protein forms Q132H, Q181H, Q78H, Q48H, Q67H.
Identifiers: ClinVar variation 2739684 (VCV002739684.3), dbSNP rs1408018999, ClinGen allele CA408491724.